The following is an entry in ClinVar:

ClinVar aggregate classification (germline): Uncertain significance (1 of 4 stars; one submission).

Conditions:
Generalized pustular psoriasis. Identifiers: Orphanet 247353, MedGen C0343055, MONDO:0100491.

Allele frequency attached by ClinVar (database versions not stated): gnomAD 0.00001.

Submission:

Labcorp Genetics (formerly Invitae), Labcorp
Classification: Uncertain significance for Generalized pustular psoriasis. Last evaluated: 2025-02-24. Review status: criteria provided, single submitter. Criteria: Invitae Variant Classification Sherloc (09022015). Collection method: clinical testing. Allele origin: germline.
Comment: This sequence change replaces alanine, which is neutral and non-polar, with valine, which is neutral and non-polar, at codon 6 of the IL36RN protein (p.Ala6Val). This variant is present in population databases (rs767435510, gnomAD 0.0009%). This missense change has been observed in individual(s) with palmoplantar pustular psoriasis or systemic autoinflammatory disease (PMID: 25989471, 39003954). ClinVar contains an entry for this variant (Variation ID: 2154545). An algorithm developed to predict the effect of missense changes on protein structure and function outputs the following: PolyPhen-2: "Benign". The valine amino acid residue is found in multiple mammalian species, which suggests that this missense change does not adversely affect protein function. In summary, the available evidence is currently insufficient to determine the role of this variant in disease. Therefore, it has been classified as a Variant of Uncertain Significance.

Literature cited by the submitters: PubMed 25989471; PubMed 39003954.

NM_012275.3(IL36RN):c.17C>T (p.Ala6Val)

Gene: IL36RN (interleukin 36 receptor antagonist; plus strand). Cytogenetic location: 2q14.1.
Variant type: single nucleotide variant.
Coding change: c.17C>T on transcript NM_012275.3 (MANE Select); coding-DNA position 17, C replaced by T.
Protein change: p.Ala6Val; replaces alanine 6 with valine.
Molecular consequence: missense variant.
Genome position (GRCh38, 1-based): chr2:113,059,455, C>T. VCF-style: chr2-113059455-C-T. GRCh37 (hg19) VCF-style: chr2-113817032-C-T.
Other names: c.17C>T, p.Ala6Val (NM_173170.1); short protein forms A6V.
Identifiers: ClinVar variation 2154545 (VCV002154545.2), dbSNP rs767435510, ClinGen allele CA53685680.